The following is an entry in ClinVar:

ClinVar aggregate classification (germline): Uncertain significance (1 of 4 stars; one submission).

Conditions:
Hereditary cancer-predisposing syndrome. Also called: Neoplastic Syndromes, Hereditary; Tumor predisposition; Hereditary Cancer Syndrome; Hereditary neoplastic syndrome. Identifiers: Orphanet 140162, MedGen C0027672, MeSH D009386, MONDO:0015356.

gnomAD v4.1: 1 of 1,612,498 alleles (0.000062%); no homozygotes.

Submission:

Ambry Genetics
Classification: Uncertain significance for Hereditary cancer-predisposing syndrome. Last evaluated: 2025-06-07. Review status: criteria provided, single submitter. Criteria: Ambry Variant Classification Scheme 2023. Collection method: clinical testing. Allele origin: germline.
Comment: The p.F1323L variant (also known as c.3969T>A), located in coding exon 9 of the MSH6 gene, results from a T to A substitution at nucleotide position 3969. The phenylalanine at codon 1323 is replaced by leucine, an amino acid with highly similar properties. This amino acid position is highly conserved in available vertebrate species. In addition, the in silico prediction for this alteration is inconclusive. Since supporting evidence is limited at this time, the clinical significance of this alteration remains unclear.

NM_000179.3(MSH6):c.3969T>A (p.Phe1323Leu)

Gene: MSH6 (mutS homolog 6; plus strand). Cytogenetic location: 2p16.3.
Variant type: single nucleotide variant.
Coding change: c.3969T>A on transcript NM_000179.3 (MANE Select); coding-DNA position 3969, T replaced by A.
Protein change: p.Phe1323Leu; replaces phenylalanine 1323 with leucine.
Molecular consequence: missense variant. On other transcripts: nonsense (1).
Genome position (GRCh38, 1-based): chr2:47,806,619, T>A. VCF-style: chr2-47806619-T-A. GRCh37 (hg19) VCF-style: chr2-48033758-T-A.
Other names: c.3579T>A, p.Phe1193Leu (NM_001281492.2); c.3063T>A, p.Phe1021Leu (NM_001281493.2, NM_001281494.2, NM_001406811.1 and 6 more transcripts); c.4065T>A, p.Phe1355Leu (NM_001406795.1); c.3969T>A, p.Phe1323Leu (NM_001406796.1, NM_001406808.1, NM_001406809.1); c.3672T>A, p.Phe1224Leu (NM_001406797.1, NM_001406801.1, NM_001406805.1 and 10 more transcripts); c.3795T>A, p.Phe1265Leu (NM_001406798.1); c.3444T>A, p.Phe1148Leu (NM_001406799.1, NM_001406806.1, NM_001406807.1); c.3956T>A, p.Leu1319Ter (NM_001406800.1); and 8 more; short protein forms F1267L, F1323L, F1325L, F1355L, F801L, L1319*, F1148L, F638L.
Identifiers: ClinVar variation 1736584 (VCV001736584.3), dbSNP rs1057520473, ClinGen allele CA346761558.
Genomic context (GRCh38, chr2:47,806,619, plus strand): 5'-AAGGCTTGCTAATCTCCCAGAGGAAGTTATTCAAAAGGGACATAGAAAAGCAAGAGAATT[T>A]GAGAAGATGAATCAGTCACTACGATTATTTCGGTAACTAACTAACTATAATGGAATTATA-3'
Protein context (NP_000170.1, residues 1313-1333): IQKGHRKARE[Phe1323Leu]EKMNQSLRLF